The following is an entry in ClinVar:

ClinVar aggregate classification (germline): Uncertain significance (1 of 4 stars; one submission).

Conditions:
TRIP12-related disorder. Also called: TRIP12-related condition.

Submission:

PreventionGenetics, part of Exact Sciences
Classification: Uncertain significance for TRIP12-related condition. Last evaluated: 2024-12-03. Review status: criteria provided, single submitter. Criteria: ACMG Guidelines, 2015. Collection method: clinical testing. Allele origin: germline.
Comment: The TRIP12 c.4376G>A variant is predicted to result in the amino acid substitution p.Cys1459Tyr. To our knowledge, this variant has not been reported in the literature or in a large population database (gnomAD), indicating this variant is rare. At this time, the clinical significance of this variant is uncertain due to the absence of conclusive functional and genetic evidence.

NM_001348323.3(TRIP12):c.4457G>A (p.Cys1486Tyr)

Gene: TRIP12 (thyroid hormone receptor interactor 12; minus strand). Cytogenetic location: 2q36.3.
Variant type: single nucleotide variant.
Coding change: c.4457G>A on transcript NM_001348323.3 (MANE Select); coding-DNA position 4457, G replaced by A.
Protein change: p.Cys1486Tyr; replaces cysteine 1486 with tyrosine.
Molecular consequence: missense variant.
Genome position (GRCh38, 1-based): chr2:229,791,210, C>T on the plus strand (G>A on the coding strand, the complement: TRIP12 is on the minus strand). VCF-style: chr2-229791210-C-T. GRCh37 (hg19) VCF-style: chr2-230655926-C-T.
Other names: c.4376G>A, p.Cys1459Tyr (NM_001284214.2, NM_001348315.2); c.4331G>A, p.Cys1444Tyr (NM_001284215.2, NM_001348316.2); c.3422G>A, p.Cys1141Tyr (NM_001284216.2); c.4316G>A, p.Cys1439Tyr (NM_001348317.1, NM_001348318.2); c.4442G>A, p.Cys1481Tyr (NM_001348319.1, NM_001348320.2); c.4445G>A, p.Cys1482Tyr (NM_001348321.1); c.4457G>A, p.Cys1486Tyr (NM_001348322.1, NM_001348324.2, NM_001348325.2 and 2 more transcripts); c.4460G>A, p.Cys1487Tyr (NM_001348328.1, NM_001348329.2, NM_001348330.2); and 4 more; short protein forms C1141Y, C1460Y, C1411Y, C1412Y, C1439Y, C1482Y, C1487Y, C1444Y.
Identifiers: ClinVar variation 4998340 (VCV004998340.1).